The following is an entry in ClinVar:

ClinVar aggregate classification (germline): Uncertain significance (1 of 4 stars; one submission).

Conditions:
Beckwith-Wiedemann syndrome (BWS). Also called: EMG SYNDROME; Exomphalos macroglossia gigantism syndrome. Identifiers: Orphanet 116, MedGen C0004903, MONDO:0007534, OMIM 130650.

Submission:

Labcorp Genetics (formerly Invitae), Labcorp
Classification: Uncertain significance for Beckwith-Wiedemann syndrome. Last evaluated: 2023-01-30. Review status: criteria provided, single submitter. Criteria: Invitae Variant Classification Sherloc (09022015). Collection method: clinical testing. Allele origin: germline.
Comment: In summary, the available evidence is currently insufficient to determine the role of this variant in disease. Therefore, it has been classified as a Variant of Uncertain Significance. Advanced modeling of protein sequence and biophysical properties (such as structural, functional, and spatial information, amino acid conservation, physicochemical variation, residue mobility, and thermodynamic stability) performed at Invitae indicates that this missense variant is not expected to disrupt CDKN1C protein function. This variant has not been reported in the literature in individuals affected with CDKN1C-related conditions. This variant is not present in population databases (gnomAD no frequency). This sequence change replaces aspartic acid, which is acidic and polar, with asparagine, which is neutral and polar, at codon 240 of the CDKN1C protein (p.Asp240Asn).

NM_001122630.2(CDKN1C):c.685G>A (p.Asp229Asn)

Gene: CDKN1C (cyclin dependent kinase inhibitor 1C; minus strand). Cytogenetic location: 11p15.4.
Variant type: single nucleotide variant.
Coding change: c.685G>A on transcript NM_001122630.2 (MANE Select); coding-DNA position 685, G replaced by A.
Protein change: p.Asp229Asn; replaces aspartic acid 229 with asparagine.
Molecular consequence: missense variant. On other transcripts: intron variant (1).
Genome position (GRCh38, 1-based): chr11:2,884,772, C>T on the plus strand (G>A on the coding strand, the complement: CDKN1C is on the minus strand). VCF-style: chr11-2884772-C-T. GRCh37 (hg19) VCF-style: chr11-2906002-C-T.
Other names: c.718G>A, p.Asp240Asn (NM_000076.2, NM_001362474.2); c.685G>A, p.Asp229Asn (NM_001122631.2); c.255+430G>A (NM_001362475.2); short protein forms D229N, D240N.
Identifiers: ClinVar variation 2832949 (VCV002832949.3), dbSNP rs2494384294, ClinGen allele CA379145730.